The following is an entry in ClinVar:

ClinVar aggregate classification (germline): Pathogenic (1 of 4 stars; one submission).

Conditions:
Osteogenesis imperfecta type I (OI1). Also called: OI, TYPE I; OSTEOGENESIS IMPERFECTA TARDA; OSTEOGENESIS IMPERFECTA WITH BLUE SCLERAE; Osteogenesis imperfecta type 1; Lobstein's Disease; Lobstein disease. Identifiers: Orphanet 216796, Orphanet 666, MedGen C0023931, MONDO:0008146, OMIM 166200. Disease mechanism: loss of function.

Submission:

Labcorp Genetics (formerly Invitae), Labcorp
Classification: Pathogenic for Osteogenesis imperfecta type I. Last evaluated: 2022-08-15. Review status: criteria provided, single submitter. Criteria: Invitae Variant Classification Sherloc (09022015). Collection method: clinical testing. Allele origin: germline.
Comment: This variant, c.2778_2786dup, results in the insertion of 3 amino acid(s) of the COL1A1 protein (p.Pro928_Pro930dup), but otherwise preserves the integrity of the reading frame. This variant is not present in population databases (gnomAD no frequency). This variant has been observed in individual(s) with clinical features of osteogenesis imperfecta (Invitae). In at least one individual the variant was observed to be de novo. Experimental studies and prediction algorithms are not available or were not evaluated, and the functional significance of this variant is currently unknown. For these reasons, this variant has been classified as Pathogenic.

NM_000088.4(COL1A1):c.2769TCCCCCTGG[3] (p.925PGP[3])

Gene: COL1A1 (collagen type I alpha 1 chain; minus strand). Cytogenetic location: 17q21.33.
Variant type: Microsatellite.
Coding change: c.2769TCCCCCTGG[3] on transcript NM_000088.4 (MANE Select); three copies in a row of the 9-base unit TCCCCCTGG starting at c.2769; the reference has two copies in a row; one copy, 9 bases duplicated.
Protein change: p.925PGP[3].
Molecular consequence: inframe insertion.
Genome position (GRCh38, 1-based): chr17:50,189,420-50,189,428, CCAGGGGGA duplicated on the plus strand (TCCCCCTGG on the coding strand, the reverse complement: COL1A1 is on the minus strand); duplicating any 9 consecutive bases within chr17:50,189,420-50,189,440 gives the same sequence; the position shown is the placement nearest the transcript's 3' end. VCF-style (leftmost placement, unchanged base first): chr17-50189419-G-GCCAGGGGGA. GRCh37 (hg19) VCF-style: chr17-48266780-G-GCCAGGGGGA.
Identifiers: ClinVar variation 456756 (VCV000456756.9), dbSNP rs1555572458, ClinGen allele CA658656705.